The following is an entry in ClinVar:

NM_001349253.2(SCN11A):c.4030C>A (p.Pro1344Thr)

Gene: SCN11A (sodium voltage-gated channel alpha subunit 11; minus strand). Cytogenetic location: 3p22.2.
Variant type: single nucleotide variant.
Coding change: c.4030C>A on transcript NM_001349253.2 (MANE Select); coding-DNA position 4030, C replaced by A.
Protein change: p.Pro1344Thr; replaces proline 1344 with threonine.
Molecular consequence: missense variant.
Genome position (GRCh38, 1-based): chr3:38,863,221, G>T on the plus strand (C>A on the coding strand, the complement: SCN11A is on the minus strand). VCF-style: chr3-38863221-G-T. GRCh37 (hg19) VCF-style: chr3-38904712-G-T.
Other names: c.4030C>A, p.Pro1344Thr (NM_014139.3); short protein forms P1344T.
Identifiers: ClinVar variation 1055321 (VCV001055321.1), dbSNP rs2126089243, ClinGen allele CA352167458.

ClinVar aggregate classification (germline): Uncertain significance (1 of 4 stars; one submission).

Conditions:
Hereditary sensory and autonomic neuropathy type 7. Also called: Neuropathy, hereditary sensory and autonomic, type VII; HSAN VII. Identifiers: Orphanet 391397, MedGen C3809882, MONDO:0014244, OMIM 615548.
Familial episodic pain syndrome with predominantly lower limb involvement. Also called: Episodic pain syndrome, familial, 3. Identifiers: Orphanet 391384, Orphanet 391392, MedGen C3809899, MONDO:0014247, OMIM 615552.

Allele frequency attached by ClinVar (database versions not stated): gnomAD exomes 0.00002.
gnomAD v4.1: 25 of 1,603,254 alleles (0.0016%); highest among the groups gnomAD compares: Non-Finnish European, 0.0021%; no homozygotes.

Submission:

Labcorp Genetics (formerly Invitae), Labcorp
Classification: Uncertain significance for Familial episodic pain syndrome with predominantly lower limb involvement; Hereditary sensory and autonomic neuropathy type 7. Last evaluated: 2020-08-05. Review status: criteria provided, single submitter. Criteria: Invitae Variant Classification Sherloc (09022015). Collection method: clinical testing. Allele origin: germline.
Comment: This sequence change replaces proline with threonine at codon 1344 of the SCN11A protein (p.Pro1344Thr). The proline residue is highly conserved and there is a small physicochemical difference between proline and threonine. This variant is not present in population databases (ExAC no frequency). This variant has not been reported in the literature in individuals with SCN11A-related conditions. Algorithms developed to predict the effect of missense changes on protein structure and function (SIFT, PolyPhen-2, Align-GVGD) all suggest that this variant is likely to be disruptive, but these predictions have not been confirmed by published functional studies and their clinical significance is uncertain. In summary, the available evidence is currently insufficient to determine the role of this variant in disease. Therefore, it has been classified as a Variant of Uncertain Significance.